The following is an entry in ClinVar:

ClinVar aggregate classification (germline): Benign. Review status: criteria provided, multiple submitters, no conflicts (2 of 4 stars). 5 submissions from 5 submitters: Benign (4). 1 of the submissions does not count toward it. Last evaluated 2021-07-15.

Conditions:
Holt-Oram syndrome (HOS). Also called: Ventriculo-radial syndrome; Cardiac-limb syndrome; Heart-hand syndrome, type 1; TBX5-Related Holt-Oram Syndrome. Identifiers: Orphanet 392, MedGen C0265264, MONDO:0007732, OMIM 142900.

Allele frequency attached by ClinVar (database versions not stated): 1000 Genomes Project 30x 0.53139; 1000 Genomes Project 0.52875; TOPMed 0.56609; gnomAD 0.54802; ESP Exome Variant Server 0.56197.
gnomAD v4.1: 990,751 of 1,612,396 alleles (61%); highest among the groups gnomAD compares: Admixed American, 76%; 308,823 homozygotes.

Submissions (5):

Genome-Nilou Lab
Classification: Benign for Holt-Oram syndrome. Last evaluated: 2021-07-15. Review status: criteria provided, single submitter. Criteria: ACMG Guidelines, 2015. Collection method: clinical testing. Allele origin: germline. Affected: no.

GeneDx
Classification: Benign. Last evaluated: 2015-03-03. Review status: criteria provided, single submitter. Criteria: GeneDx Variant Classification Process June 2021. Collection method: clinical testing. Allele origin: germline. Affected: yes.

Breakthrough Genomics
Classification: Benign. Review status: criteria provided, single submitter. Criteria: ACMG Guidelines, 2015. Collection method: not provided. Allele origin: germline. Inheritance: Autosomal dominant inheritance. Affected: yes.

PreventionGenetics, part of Exact Sciences
Classification: Benign. Review status: criteria provided, single submitter. Criteria: ACMG Guidelines, 2015. Collection method: clinical testing. Allele origin: germline.

Dept of Molecular Genetics and Enzymology, National Research Centre
Classification: Uncertain significance. Review status: no assertion criteria provided. Collection method: not provided. Allele origin: unknown. Not counted in ClinVar's aggregate classification.
Comment: Ventricular and atrial septal defect, pulmonary stenosis, and tetralogy of Fallot
ClinVar note: Converted during submission from unknown to Uncertain significance.

NM_181486.4(TBX5):c.663+36G>T

Gene: TBX5 (T-box transcription factor 5; minus strand). Cytogenetic location: 12q24.21.
Variant type: single nucleotide variant.
Coding change: c.663+36G>T on transcript NM_181486.4 (MANE Select); 36 bases into the intron after coding-DNA position 663, G replaced by T.
Molecular consequence: intron variant.
Genome position (GRCh38, 1-based): chr12:114,394,705, C>A on the plus strand (G>T on the coding strand, the complement: TBX5 is on the minus strand). VCF-style: chr12-114394705-C-A. GRCh37 (hg19) VCF-style: chr12-114832510-C-A.
Other names: c.513+36G>T (NM_080717.4); c.663+36G>T (NM_000192.3).
Identifiers: ClinVar variation 139592 (VCV000139592.8), dbSNP rs2236017, ClinGen allele CA232588.